The following is an entry in ClinVar:

ClinVar aggregate classification (germline): Uncertain significance. Review status: criteria provided, multiple submitters, no conflicts (2 of 4 stars). 2 submissions from 2 submitters: Uncertain significance (2). Last evaluated 2025-09-11.

Conditions:
Inborn genetic diseases. Identifiers: MedGen C0950123, MeSH D030342.

Allele frequency attached by ClinVar (database versions not stated): gnomAD 0.00001; gnomAD exomes 0.00001; TOPMed 0.00001; ExAC 0.00003.
gnomAD v4.1: 11 of 1,613,990 alleles (0.00068%); highest among the groups gnomAD compares: Admixed American, 0.018%; no homozygotes.

Submissions (2):

Ambry Genetics
Classification: Uncertain significance for Inborn genetic diseases. Last evaluated: 2025-09-11. Review status: criteria provided, single submitter. Criteria: Ambry Variant Classification Scheme 2023. Collection method: clinical testing. Allele origin: germline.

Labcorp Genetics (formerly Invitae), Labcorp
Classification: Uncertain significance. Last evaluated: 2024-12-03. Review status: criteria provided, single submitter. Criteria: Invitae Variant Classification Sherloc (09022015). Collection method: clinical testing. Allele origin: germline.
Comment: This sequence change replaces glutamic acid, which is acidic and polar, with glycine, which is neutral and non-polar, at codon 25 of the COX10 protein (p.Glu25Gly). This variant is present in population databases (rs763979314, gnomAD 0.02%). This variant has not been reported in the literature in individuals affected with COX10-related conditions. ClinVar contains an entry for this variant (Variation ID: 2192294). An algorithm developed to predict the effect of missense changes on protein structure and function (PolyPhen-2) suggests that this variant is likely to be tolerated. In summary, the available evidence is currently insufficient to determine the role of this variant in disease. Therefore, it has been classified as a Variant of Uncertain Significance.

NM_001303.4(COX10):c.74A>G (p.Glu25Gly)

Gene: COX10 (cytochrome c oxidase assembly factor heme A:farnesyltransferase COX10; plus strand). Cytogenetic location: 17p12.
Variant type: single nucleotide variant.
Coding change: c.74A>G on transcript NM_001303.4 (MANE Select); coding-DNA position 74, A replaced by G.
Protein change: p.Glu25Gly; replaces glutamic acid 25 with glycine.
Molecular consequence: missense variant.
Genome position (GRCh38, 1-based): chr17:14,074,353, A>G. VCF-style: chr17-14074353-A-G. GRCh37 (hg19) VCF-style: chr17-13977670-A-G.
Other names: c.74A>G (NM_001303.3); short protein forms E25G.
Identifiers: ClinVar variation 2192294 (VCV002192294.5), dbSNP rs763979314, ClinGen allele CA8402237.